The following is an entry in ClinVar:

NC_000001.11:g.(?_17018871)_(17044898_?)del

Gene: SDHB (succinate dehydrogenase complex iron sulfur subunit B; minus strand). Cytogenetic location: 1p36.13.
Variant type: Deletion.
Identifiers: ClinVar variation 833509 (VCV000833509.1).

ClinVar aggregate classification (germline): Pathogenic (1 of 4 stars; one submission).

Conditions:
Pheochromocytoma/paraganglioma syndrome 4. Also called: CAROTID BODY TUMORS AND MULTIPLE EXTRAADRENAL PHEOCHROMOCYTOMAS; SDHB-Related Hereditary Paraganglioma-Pheochromocytoma Syndrome (Paragangliomas 4); SDHB-Related Hereditary Paraganglioma-Pheochromocytoma Syndrome; PARAGANGLIOMA, FAMILIAL MALIGNANT; PARAGANGLIOMAS, HEREDITARY EXTRAADRENAL; PHEOCHROMOCYTOMA, FAMILIAL EXTRAADRENAL. Identifiers: Orphanet 29072, MedGen C1861848, MONDO:0007273, OMIM 115310.
Gastrointestinal stromal tumor. Also called: Gastrointestinal stromal tumor, somatic; Gastrointestinal stroma tumor. Identifiers: Orphanet 44890, MedGen C0238198, MeSH D046152, MONDO:0011719, OMIM 606764, HP:0100723.
Pheochromocytoma. Also called: MAX-Related Hereditary Paraganglioma-Pheochromocytoma Syndrome. Identifiers: Orphanet 29072, MedGen C0031511, MONDO:0008233, OMIM 171300, HP:0002666.

Submission:

Labcorp Genetics (formerly Invitae), Labcorp
Classification: Pathogenic for Gastrointestinal stroma tumor; Paragangliomas 4; Pheochromocytoma. Last evaluated: 2019-07-11. Review status: criteria provided, single submitter. Criteria: Invitae Variant Classification Sherloc (09022015). Collection method: clinical testing. Allele origin: germline.
Comment: This variant is a gross deletion of the genomic region encompassing exons 2-8 of the SDHB gene. The 5' boundary is likely confined to intron 1. The 3' end of this event is unknown as it extends through the termination codon beyond the assayed region for this gene and may encompass additional genes. While this deletion is not anticipated to result in nonsense mediated decay, it is expected to create a truncated protein product or disrupt mRNA translation. Deletion of exons 2-8 has not been reported in the literature in individuals with an SDHB-related disease. Smaller exonic deletions within exons 2-8 have been reported in individuals affected with paraganglioma and/or pheochromocytoma (PMID: 17652212, 19029228, 22517554, 24977658). Furthermore, several missense substitutions between exons 2-8 have been determined to be pathogenic, including p.Trp200Cys (PMID: 20119652, 22835832), p.Cys196Tyr (PMID: 21172883, 19064958), and p.Val140Phe (PMID: 20583550, 20503330). This suggests that this region is critical for SDHB protein function. For these reasons, this variant has been classified as Pathogenic.

Literature cited by the submitters: PubMed 21172883; PubMed 24977658; PubMed 22835832; PubMed 17652212; PubMed 22517554; PubMed 19064958; PubMed 19029228; PubMed 20583550; PubMed 20119652; PubMed 20503330.